The following is an entry in ClinVar:

ClinVar aggregate classification (germline): Uncertain significance (1 of 4 stars; one submission).

Submission:

GeneDx
Classification: Uncertain significance. Last evaluated: 2024-04-11. Review status: criteria provided, single submitter. Criteria: GeneDx Variant Classification Process June 2021. Collection method: clinical testing. Allele origin: germline. Affected: yes.
Comment: Not observed at significant frequency in large population cohorts (gnomAD); In silico analysis indicates that this missense variant does not alter protein structure/function; Has not been previously published as pathogenic or benign to our knowledge; This variant is associated with the following publications: (PMID: 26986877)

NM_005654.6(NR2F1):c.1135A>T (p.Thr379Ser)

Gene: NR2F1 (nuclear receptor subfamily 2 group F member 1; plus strand). Cytogenetic location: 5q15.
Variant type: single nucleotide variant.
Coding change: c.1135A>T on transcript NM_005654.6 (MANE Select); coding-DNA position 1135, A replaced by T.
Protein change: p.Thr379Ser; replaces threonine 379 with serine.
Molecular consequence: missense variant.
Genome position (GRCh38, 1-based): chr5:93,593,705, A>T. VCF-style: chr5-93593705-A-T. GRCh37 (hg19) VCF-style: chr5-92929411-A-T.
Other names: c.685A>T, p.Thr229Ser (NM_001410754.1); short protein forms T229S, T379S.
Identifiers: ClinVar variation 3372415 (VCV003372415.1).